The following is an entry in ClinVar:

NM_001378454.1(ALMS1):c.10357A>T (p.Lys3453Ter)

Gene: ALMS1 (ALMS1 centrosome and basal body associated protein; plus strand). Cytogenetic location: 2p13.1.
Variant type: single nucleotide variant.
Coding change: c.10357A>T on transcript NM_001378454.1 (MANE Select); coding-DNA position 10357, A replaced by T.
Protein change: p.Lys3453Ter; replaces lysine 3453 with a stop codon.
Molecular consequence: nonsense.
Genome position (GRCh38, 1-based): chr2:73,559,115, A>T. VCF-style: chr2-73559115-A-T. GRCh37 (hg19) VCF-style: chr2-73786242-A-T.
Other names: c.10360A>T, p.Lys3454Ter (NM_015120.4); short protein forms K3454*, K3453*.
Identifiers: ClinVar variation 936137 (VCV000936137.8), dbSNP rs1674604760, ClinGen allele CA347278305.

ClinVar aggregate classification (germline): Pathogenic (1 of 4 stars; one submission).

Conditions:
Alstrom syndrome (ALMS). Identifiers: Orphanet 64, MedGen C0268425, MONDO:0008763, OMIM 203800.

Allele frequency attached by ClinVar (database versions not stated): TOPMed below 0.00001; gnomAD 0.00001.
gnomAD v4.1: 4 of 1,613,768 alleles (0.00025%); highest among the groups gnomAD compares: Admixed American, 0.0033%; no homozygotes.

Submission:

Labcorp Genetics (formerly Invitae), Labcorp
Classification: Pathogenic for Alstrom syndrome. Last evaluated: 2023-01-08. Review status: criteria provided, single submitter. Criteria: Invitae Variant Classification Sherloc (09022015). Collection method: clinical testing. Allele origin: germline.
Comment: ClinVar contains an entry for this variant (Variation ID: 936137). For these reasons, this variant has been classified as Pathogenic. This variant has not been reported in the literature in individuals affected with ALMS1-related conditions. This variant is not present in population databases (gnomAD no frequency). This sequence change creates a premature translational stop signal (p.Lys3454*) in the ALMS1 gene. It is expected to result in an absent or disrupted protein product. Loss-of-function variants in ALMS1 are known to be pathogenic (PMID: 17594715).

Literature cited by the submitters: PubMed 17594715.